The following is an entry in ClinVar:

NM_020134.4(DPYSL5):c.1168C>T (p.Arg390Cys)

Gene: DPYSL5 (dihydropyrimidinase like 5; plus strand). Cytogenetic location: 2p23.3.
Variant type: single nucleotide variant.
Coding change: c.1168C>T on transcript NM_020134.4 (MANE Select); coding-DNA position 1168, C replaced by T.
Protein change: p.Arg390Cys; replaces arginine 390 with cysteine.
Molecular consequence: missense variant.
Genome position (GRCh38, 1-based): chr2:26,942,028, C>T. VCF-style: chr2-26942028-C-T. GRCh37 (hg19) VCF-style: chr2-27164896-C-T.
Other names: c.1168C>T, p.Arg390Cys (NM_001253723.2, NM_001253724.2); short protein forms R390C.
Identifiers: ClinVar variation 3025204 (VCV003025204.22), dbSNP rs750517458, ClinGen allele CA1566376.
Genomic context (GRCh38, chr2:26,942,028, plus strand): 5'-GAGAACCGTTTTGTGGCCGTTACCAGTTCCAACGCAGCTAAGCTTCTGAACCTGTATCCC[C>T]GCAAGGGCCGCATTATTCCCGGAGCCGATGCTGATGTGGTGGTGTGGGACCCAGAAGCCA-3'
Protein context (NP_064519.2, residues 380-400): NAAKLLNLYP[Arg390Cys]KGRIIPGADA

ClinVar aggregate classification (germline): Likely benign (1 of 4 stars; one submission).

Allele frequency attached by ClinVar (database versions not stated): gnomAD 0.00001; gnomAD exomes 0.00001; TOPMed 0.00001; ExAC 0.00003.
gnomAD v4.1: 24 of 1,614,050 alleles (0.0015%); highest among the groups gnomAD compares: Middle Eastern, 0.016%; no homozygotes.

Submission:

CeGaT Center for Human Genetics Tuebingen
Classification: Likely benign. Last evaluated: 2023-12-01. Review status: criteria provided, single submitter. Criteria: CeGaT Center For Human Genetics Tuebingen Variant Classification Criteria Version 2. Collection method: clinical testing. Allele origin: germline. Affected: yes. Observed: 1 variant allele.
Comment: DPYSL5: PP3, BS1